The following is an entry in ClinVar:

ClinVar aggregate classification (germline): Uncertain significance (1 of 4 stars; one submission).

Allele frequency attached by ClinVar (database versions not stated): TOPMed below 0.00001; ExAC 0.00002; gnomAD exomes 0.00002.

Submission:

Labcorp Genetics (formerly Invitae), Labcorp
Classification: Uncertain significance. Last evaluated: 2022-08-20. Review status: criteria provided, single submitter. Criteria: Invitae Variant Classification Sherloc (09022015). Collection method: clinical testing. Allele origin: germline.
Comment: In summary, the available evidence is currently insufficient to determine the role of this variant in disease. Therefore, it has been classified as a Variant of Uncertain Significance. Algorithms developed to predict the effect of missense changes on protein structure and function are either unavailable or do not agree on the potential impact of this missense change (SIFT: "Deleterious"; PolyPhen-2: "Benign"; Align-GVGD: "Class C0"). This variant has not been reported in the literature in individuals affected with OR2W3-related conditions. This variant is present in population databases (rs769562606, gnomAD 0.003%). This sequence change replaces methionine, which is neutral and non-polar, with valine, which is neutral and non-polar, at codon 187 of the OR2W3 protein (p.Met187Val).

NM_001001957.2(OR2W3):c.559A>G (p.Met187Val)

Gene: OR2W3 (olfactory receptor family 2 subfamily W member 3; plus strand). Cytogenetic location: 1q44.
Variant type: single nucleotide variant.
Coding change: c.559A>G on transcript NM_001001957.2 (MANE Select); coding-DNA position 559, A replaced by G.
Protein change: p.Met187Val; replaces methionine 187 with valine.
Molecular consequence: missense variant.
Genome position (GRCh38, 1-based): chr1:247,896,145, A>G. VCF-style: chr1-247896145-A-G. GRCh37 (hg19) VCF-style: chr1-248059447-A-G.
Other names: short protein forms M187V.
Identifiers: ClinVar variation 1919402 (VCV001919402.5), dbSNP rs769562606, ClinGen allele CA1498634.